The following is an entry in ClinVar:

NM_001080.3(ALDH5A1):c.275A>G (p.Asp92Gly)

Genes: ALDH5A1 (aldehyde dehydrogenase 5 family member A1; plus strand), GPLD1 (glycosylphosphatidylinositol specific phospholipase D1; minus strand), LOC129995978 (ATAC-STARR-seq lymphoblastoid silent region 16989; plus strand). Cytogenetic location: 6p22.3.
Variant type: single nucleotide variant.
Coding change: c.275A>G on transcript NM_001080.3 (MANE Select); coding-DNA position 275, A replaced by G.
Protein change: p.Asp92Gly; replaces aspartic acid 92 with glycine.
Molecular consequence: missense variant.
Genome position (GRCh38, 1-based): chr6:24,495,271, A>G. VCF-style: chr6-24495271-A-G. GRCh37 (hg19) VCF-style: chr6-24495499-A-G.
Other names: c.275A>G, p.Asp92Gly (NM_001368954.1, NM_170740.1); short protein forms D92G.
Identifiers: ClinVar variation 1878484 (VCV001878484.4), dbSNP rs2532812773, ClinGen allele CA362968581.

ClinVar aggregate classification (germline): Likely pathogenic (1 of 4 stars; one submission).

Conditions:
Succinate-semialdehyde dehydrogenase deficiency (SSADHD). Also called: Succinic Semialdehyde Dehydrogenase Deficiency; SSADH DEFICIENCY; 4-HYDROXYBUTYRIC ACIDURIA; GABA METABOLIC DEFECT. Identifiers: Orphanet 22, MedGen C0268631, MONDO:0010083, OMIM 271980.

Submission:

Elsea Laboratory, Baylor College of Medicine
Classification: Likely pathogenic for Succinate-semialdehyde dehydrogenase deficiency. Last evaluated: 2021-03-08. Review status: criteria provided, single submitter. Criteria: Martin et al. (J Child Neurol. 2021). Collection method: curation. Allele origin: germline. Affected: yes.
Comment: deficient enzyme activity; NAD binding domain

Literature cited by the submitters: PubMed 33203024; PubMed 32402538.